The following is an entry in ClinVar:

NM_000052.7(ATP7A):c.3037_3038delinsGA (p.Met1013Glu)

Gene: ATP7A (ATPase copper transporting alpha; plus strand). Cytogenetic location: Xq21.1.
Variant type: Indel.
Coding change: c.3037_3038delinsGA on transcript NM_000052.7 (MANE Select); coding-DNA positions 3037 to 3038, AT replaced by GA.
Protein change: p.Met1013Glu; replaces methionine 1013 with glutamic acid.
Molecular consequence: missense variant.
Genome position (GRCh38, 1-based): chrX:78,029,370-78,029,371, AT replaced by GA. VCF-style: chrX-78029370-AT-GA. GRCh37 (hg19) VCF-style: chrX-77284867-AT-GA.
Other names: c.2803_2804delinsGA, p.Met935Glu (NM_001282224.2); short protein forms M1013E, M935E.
Identifiers: ClinVar variation 465116 (VCV000465116.7), dbSNP rs1557236747, ClinGen allele CA658659024.

ClinVar aggregate classification (germline): Uncertain significance (1 of 4 stars; one submission).

Conditions:
Cutis laxa, X-linked (OHS). Also called: EDS IX; Occipital horn syndrome. Identifiers: Orphanet 198, MedGen C0268353, MONDO:0010572, OMIM 304150.
Menkes kinky-hair syndrome (MNK). Also called: Classic Menkes Disease; Copper transport disease; Menkes Disease. Identifiers: Orphanet 565, MedGen C0022716, MONDO:0010651, OMIM 309400.
X-linked distal spinal muscular atrophy type 3. Also called: SPINAL MUSCULAR ATROPHY, DISTAL, X-LINKED RECESSIVE; ATP7A-Related Distal Motor Neuropathy; NEURONOPATHY, DISTAL HEREDITARY MOTOR, X-LINKED; NEUROPATHY, DISTAL HEREDITARY MOTOR, X-LINKED. Identifiers: Orphanet 139557, MedGen C1845359, MONDO:0010338, OMIM 300489.

Submission:

Labcorp Genetics (formerly Invitae), Labcorp
Classification: Uncertain significance for X-linked distal spinal muscular atrophy type 3; Cutis laxa, X-linked; Menkes kinky-hair syndrome. Last evaluated: 2022-03-02. Review status: criteria provided, single submitter. Criteria: Invitae Variant Classification Sherloc (09022015). Collection method: clinical testing. Allele origin: germline.
Comment: This variant has not been reported in the literature in individuals affected with ATP7A-related conditions. Information on the frequency of this variant in the gnomAD database is not available, as this variant may be reported differently in the database. This sequence change replaces methionine with glutamic acid at codon 1013 of the ATP7A protein (p.Met1013Glu). The methionine residue is highly conserved and there is a moderate physicochemical difference between methionine and glutamic acid. ClinVar contains an entry for this variant (Variation ID: 465116). In summary, the available evidence is currently insufficient to determine the role of this variant in disease. Therefore, it has been classified as a Variant of Uncertain Significance. Algorithms developed to predict the effect of missense changes on protein structure and function are either unavailable or do not agree on the potential impact of this missense change (SIFT: "Not Available"; PolyPhen-2: "Probably Damaging"; Align-GVGD: "Not Available").